The following is an entry in ClinVar:

ClinVar aggregate classification (germline): Conflicting classifications of pathogenicity. Review status: criteria provided, conflicting classifications (1 of 4 stars). 11 submissions from 11 submitters: Uncertain significance (1); Benign (3); Likely benign (3). 4 of the submissions do not count toward it. Last evaluated 2026-01-27.

Conditions:
Cardiovascular phenotype. Identifiers: MedGen CN230736.
Cardiomyopathy (CMYO). Also called: Cardiomyopathies. Identifiers: Orphanet 167848, MedGen C0878544, MONDO:0004994, HP:0001638. Inheritance: Various modes of inheritance.
Dilated cardiomyopathy 1W (CMD1W). Identifiers: Orphanet 154, MedGen C1969639, MONDO:0012667, OMIM 611407.

Allele frequency attached by ClinVar (database versions not stated): gnomAD 0.00017 and 0.00018; TOPMed 0.00024; gnomAD exomes 0.00027 and 0.00033; ESP Exome Variant Server 0.00031; ExAC 0.00044.
gnomAD v4.1: 502 of 1,604,596 alleles (0.031%); highest among the groups gnomAD compares: Admixed American, 0.054%; no homozygotes.

Submissions (11):

Labcorp Genetics (formerly Invitae), Labcorp
Classification: Benign for Dilated cardiomyopathy 1W. Last evaluated: 2026-01-27. Review status: criteria provided, single submitter. Criteria: Invitae Variant Classification Sherloc (09022015). Collection method: clinical testing. Allele origin: germline.

Blueprint Genetics
Classification: Likely benign. Last evaluated: 2024-11-14. Review status: criteria provided, single submitter. Criteria: ACMG Guidelines, 2015. Collection method: clinical testing. Allele origin: germline.

Women's Health and Genetics/Laboratory Corporation of America, LabCorp
Classification: Benign. Last evaluated: 2023-02-05. Review status: criteria provided, single submitter. Criteria: LabCorp Variant Classification Summary - May 2015. Collection method: clinical testing. Allele origin: germline.

CHEO Genetics Diagnostic Laboratory, Children's Hospital of Eastern Ontario
Classification: Likely benign for Cardiomyopathy. Last evaluated: 2019-10-07. Review status: criteria provided, single submitter. Criteria: ACMG Guidelines, 2015. Collection method: clinical testing. Allele origin: germline.

Illumina Laboratory Services, Illumina
Classification: Uncertain significance for Dilated cardiomyopathy 1W. Last evaluated: 2018-01-13. Review status: criteria provided, single submitter. Criteria: ICSL Variant Classification Criteria 13 December 2019. Collection method: clinical testing. Allele origin: germline.

Ambry Genetics
Classification: Likely benign for Cardiovascular phenotype. Last evaluated: 2016-05-25. Review status: criteria provided, single submitter. Criteria: Ambry Variant Classification Scheme 2023. Collection method: clinical testing. Allele origin: germline.

GeneDx
Classification: Benign. Last evaluated: 2014-09-23. Review status: criteria provided, single submitter. Criteria: GeneDx Variant Classification (06012015). Collection method: clinical testing. Allele origin: germline. Affected: yes.
Comment: This variant is considered likely benign or benign based on one or more of the following criteria: it is a conservative change, it occurs at a poorly conserved position in the protein, it is predicted to be benign by multiple in silico algorithms, and/or has population frequency not consistent with disease.

Clinical Genetics DNA and cytogenetics Diagnostics Lab, Erasmus MC, Erasmus Medical Center
Classification: Likely benign. Review status: no assertion criteria provided. Collection method: clinical testing. Allele origin: germline. Affected: yes. Study: VKGL Data-share Consensus. Not counted in ClinVar's aggregate classification.

Clinical Genetics, Academic Medical Center
Classification: Benign. Review status: no assertion criteria provided. Collection method: clinical testing. Allele origin: germline. Affected: yes. Study: VKGL Data-share Consensus. Not counted in ClinVar's aggregate classification.

Genome Diagnostics Laboratory, University Medical Center Utrecht
Classification: Likely benign. Review status: no assertion criteria provided. Collection method: clinical testing. Allele origin: germline. Affected: yes. Study: VKGL Data-share Consensus. Not counted in ClinVar's aggregate classification.

Joint Genome Diagnostic Labs from Nijmegen and Maastricht, Radboudumc and MUMC+
Classification: Likely benign. Review status: no assertion criteria provided. Collection method: clinical testing. Allele origin: germline. Affected: yes. Study: VKGL Data-share Consensus. Not counted in ClinVar's aggregate classification.

NM_014000.3(VCL):c.81C>T (p.His27=)

Genes: VCL (vinculin; plus strand), LOC130004109 (ATAC-STARR-seq lymphoblastoid active region 3587; plus strand). Cytogenetic location: 10q22.2.
Variant type: single nucleotide variant.
Coding change: c.81C>T on transcript NM_014000.3 (MANE Select); coding-DNA position 81, C replaced by T.
Protein change: p.His27=; no amino-acid change (histidine 27 retained).
Molecular consequence: synonymous variant.
Genome position (GRCh38, 1-based): chr10:73,998,288, C>T. VCF-style: chr10-73998288-C-T. GRCh37 (hg19) VCF-style: chr10-75758046-C-T.
Other names: p.H27H:CAC>CAT; c.81C>T, p.His27= (NM_003373.4).
Identifiers: ClinVar variation 202145 (VCV000202145.28), dbSNP rs200733607, ClinGen allele CA335591.